The following is an entry in ClinVar:

ClinVar aggregate classification (germline): Uncertain significance (1 of 4 stars; one submission).

Submission:

Labcorp Genetics (formerly Invitae), Labcorp
Classification: Uncertain significance. Last evaluated: 2025-10-09. Review status: criteria provided, single submitter. Criteria: Invitae Variant Classification Sherloc (09022015). Collection method: clinical testing. Allele origin: germline.
Comment: This sequence change replaces glutamic acid, which is acidic and polar, with aspartic acid, which is acidic and polar, at codon 2577 of the FLNB protein (p.Glu2577Asp). This variant is not present in population databases (gnomAD no frequency). This variant has not been reported in the literature in individuals affected with FLNB-related conditions. Invitae Evidence Modeling of protein sequence and biophysical properties (such as structural, functional, and spatial information, amino acid conservation, physicochemical variation, residue mobility, and thermodynamic stability) indicates that this missense variant is not expected to disrupt FLNB protein function with a negative predictive value of 95%. In summary, the available evidence is currently insufficient to determine the role of this variant in disease. Therefore, it has been classified as a Variant of Uncertain Significance.

NM_001457.4(FLNB):c.7731G>T (p.Glu2577Asp)

Gene: FLNB (filamin B; plus strand). Cytogenetic location: 3p14.3.
Variant type: single nucleotide variant.
Coding change: c.7731G>T on transcript NM_001457.4 (MANE Select); coding-DNA position 7731, G replaced by T.
Protein change: p.Glu2577Asp; replaces glutamic acid 2577 with aspartic acid.
Molecular consequence: missense variant.
Genome position (GRCh38, 1-based): chr3:58,170,684, G>T. VCF-style: chr3-58170684-G-T. GRCh37 (hg19) VCF-style: chr3-58156411-G-T.
Other names: c.7824G>T, p.Glu2608Asp (NM_001164317.2); c.7698G>T, p.Glu2566Asp (NM_001164318.2); c.7659G>T, p.Glu2553Asp (NM_001164319.2); short protein forms E2553D, E2566D, E2577D, E2608D.
Identifiers: ClinVar variation 4811775 (VCV004811775.1).